The following is an entry in ClinVar:

NC_012920.1(MT-ND1):m.4205T>C

Gene: MT-ND1 (mitochondrially encoded NADH dehydrogenase 1; plus strand).
Variant type: single nucleotide variant.
Genome position: chrM-4205-T-C.
Identifiers: ClinVar variation 692434 (VCV000692434.2), dbSNP rs1603219353, ClinGen allele CA414774416.

ClinVar aggregate classification (germline): Likely benign. Review status: criteria provided, multiple submitters, no conflicts (2 of 4 stars). 2 submissions from 2 submitters: Likely benign (2). Last evaluated 2019-10-17.

Conditions:
Leigh syndrome (NULS). Also called: Leigh's necrotizing encephalopathy; Leigh's disease; Leigh Syndrome (mtDNA deletion); Leigh Disease; Subacute necrotizing encephalopathy; Necrotizing encephalopathy infantile subacute of Leigh. Identifiers: Orphanet 506, MedGen C2931891, MONDO:0009723, OMIM 256000.

Submissions (2):

Wong Mito Lab, Molecular and Human Genetics, Baylor College of Medicine
Classification: Likely benign for Leigh syndrome. Last evaluated: 2019-10-17. Review status: criteria provided, single submitter. Criteria: Modified ACMG Guidelines (Unpublished). Collection method: clinical testing. Allele origin: germline.
Comment: The NC_012920.1:m.4205T>C (YP_003024026.1:p.Leu300Ser) variant in MTND1 gene is interpretated to be a Likely Benign variant based on the modified ACMG guidelines (unpublished). This variant meets the following evidence codes: BS1, BP4

Breakthrough Genomics
Classification: Likely benign. Review status: criteria provided, single submitter. Criteria: ACMG Guidelines, 2015. Collection method: not provided. Allele origin: germline. Inheritance: Unknown mechanism. Affected: yes.